The following is an entry in ClinVar:

NM_001035.3(RYR2):c.11583G>C (p.Gln3861His)

Gene: RYR2 (ryanodine receptor 2; plus strand). Cytogenetic location: 1q43.
Variant type: single nucleotide variant.
Coding change: c.11583G>C on transcript NM_001035.3 (MANE Select); coding-DNA position 11583, G replaced by C.
Protein change: p.Gln3861His; replaces glutamine 3861 with histidine.
Molecular consequence: missense variant.
Genome position (GRCh38, 1-based): chr1:237,772,037, G>C. VCF-style: chr1-237772037-G-C. GRCh37 (hg19) VCF-style: chr1-237935337-G-C.
Other names: short protein forms Q3861H.
Identifiers: ClinVar variation 1213111 (VCV001213111.3), dbSNP rs1014561815, ClinGen allele CA345407041.

ClinVar aggregate classification (germline): Likely pathogenic (1 of 4 stars; one submission).

Submission:

GeneDx
Classification: Likely pathogenic. Last evaluated: 2019-02-22. Review status: criteria provided, single submitter. Criteria: GeneDx Variant Classification Process June 2021. Collection method: clinical testing. Allele origin: germline. Affected: yes.
Comment: Not observed in large population cohorts (Lek et al., 2016); In silico analysis, which includes protein predictors and evolutionary conservation, supports a deleterious effect; This variant is associated with the following publications: (PMID: 29434162, 23595086, 29237690, 26114861)